The following is an entry in ClinVar:

ClinVar aggregate classification (germline): Uncertain significance (1 of 4 stars; one submission).

Conditions:
Spastic paraplegia. Identifiers: MedGen C0037772, HP:0001258.

Submission:

Labcorp Genetics (formerly Invitae), Labcorp
Classification: Uncertain significance for Spastic paraplegia. Last evaluated: 2021-07-03. Review status: criteria provided, single submitter. Criteria: Invitae Variant Classification Sherloc (09022015). Collection method: clinical testing. Allele origin: germline.
Comment: In summary, the available evidence is currently insufficient to determine the role of this variant in disease. Therefore, it has been classified as a Variant of Uncertain Significance. Algorithms developed to predict the effect of missense changes on protein structure and function are either unavailable or do not agree on the potential impact of this missense change (SIFT: "Deleterious"; PolyPhen-2: "Possibly Damaging"; Align-GVGD: "Class C0"). This variant has not been reported in the literature in individuals affected with ZFYVE26-related conditions. This variant is not present in population databases (ExAC no frequency). This sequence change replaces valine with methionine at codon 1863 of the ZFYVE26 protein (p.Val1863Met). The valine residue is moderately conserved and there is a small physicochemical difference between valine and methionine.

NM_015346.4(ZFYVE26):c.5587G>A (p.Val1863Met)

Gene: ZFYVE26 (zinc finger FYVE-type containing 26; minus strand). Cytogenetic location: 14q24.1.
Variant type: single nucleotide variant.
Coding change: c.5587G>A on transcript NM_015346.4 (MANE Select); coding-DNA position 5587, G replaced by A.
Protein change: p.Val1863Met; replaces valine 1863 with methionine.
Molecular consequence: missense variant.
Genome position (GRCh38, 1-based): chr14:67,769,628, C>T on the plus strand (G>A on the coding strand, the complement: ZFYVE26 is on the minus strand). VCF-style: chr14-67769628-C-T. GRCh37 (hg19) VCF-style: chr14-68236345-C-T.
Other names: short protein forms V1863M.
Identifiers: ClinVar variation 1490174 (VCV001490174.8), dbSNP rs2140203929, ClinGen allele CA390166979.